The following is an entry in ClinVar:

NM_001148.6(ANK2):c.11650G>A (p.Glu3884Lys)

Gene: ANK2 (ankyrin 2; plus strand). Cytogenetic location: 4q26.
Variant type: single nucleotide variant.
Coding change: c.11650G>A on transcript NM_001148.6 (MANE Select); coding-DNA position 11650, G replaced by A.
Protein change: p.Glu3884Lys; replaces glutamic acid 3884 with lysine.
Molecular consequence: missense variant. On other transcripts: intron variant (1).
Genome position (GRCh38, 1-based): chr4:113,373,129, G>A. VCF-style: chr4-113373129-G-A. GRCh37 (hg19) VCF-style: chr4-114294285-G-A.
Other names: p.E3884K:GAA>AAA; c.5368G>A, p.Glu1790Lys (NM_001127493.3); c.5407G>A, p.Glu1803Lys (NM_001354225.2); c.5389G>A, p.Glu1797Lys (NM_001354228.2); c.5374G>A, p.Glu1792Lys (NM_001354230.2); c.5530G>A, p.Glu1844Lys (NM_001354231.2); c.5524G>A, p.Glu1842Lys (NM_001354232.2); c.5485G>A, p.Glu1829Lys (NM_001354235.2); and 45 more; short protein forms E1790K, E3884K, E1724K, E1777K, E1778K, E1792K, E1808K, E1809K.
Identifiers: ClinVar variation 190587 (VCV000190587.2), dbSNP rs202183785, ClinGen allele CA300988.

ClinVar aggregate classification (germline): Uncertain significance (1 of 4 stars; one submission).

Allele frequency attached by ClinVar (database versions not stated): ExAC 0.00001; gnomAD exomes 0.00001; TOPMed 0.00001; gnomAD 0.00002 and 0.00003; 1000 Genomes Project 0.00020; 1000 Genomes Project 30x 0.00031.
gnomAD v4.1: 17 of 1,614,072 alleles (0.0011%); highest among the groups gnomAD compares: East Asian, 0.038%; no homozygotes.

Submission:

GeneDx
Classification: Uncertain significance. Last evaluated: 2012-11-01. Review status: criteria provided, single submitter. Criteria: GeneDx Variant Classification (06012015). Collection method: clinical testing. Allele origin: germline. Affected: yes.
Comment: p.Glu3884Lys (GAA>AAA):c.11650 G>A in exon 44 of the ANK2 gene (NM_001148.4). The Glu3884Lys variant in the ANK2 gene has not been published previously as a disease-causing mutation or as a benign polymorphism, to our knowledge. Glu3884Lys results in a non-conservative amino acid subsitution of a negatively charged Glutamic acid residue with a positively charged Lysine residue at a position that is conserved in most species. A mutation affecting a nearby residue (Val3895Met) has been reported in association with cardiac arrhythmia, further supporting the functional importance of this region of the protein. Furthermore, the NHLBI ESP Exome Variant Server reports Glu3884Lys was not observed in approximately 6,400 samples from individuals of European and African American backgrounds, indicating it is not a common benign variant in these populations. In summary, the clinical significance of the Glu3884Lys variant in the ANK2 gene is currently unknown. The variant is found in LQT panel(s).